The following is an entry in ClinVar:

NM_000191.3(HMGCL):c.76A>T (p.Met26Leu)

Gene: HMGCL (3-hydroxy-3-methylglutaryl-CoA lyase; minus strand). Cytogenetic location: 1p36.11.
Variant type: single nucleotide variant.
Coding change: c.76A>T on transcript NM_000191.3 (MANE Select); coding-DNA position 76, A replaced by T.
Protein change: p.Met26Leu; replaces methionine 26 with leucine.
Molecular consequence: missense variant.
Genome position (GRCh38, 1-based): chr1:23,820,578, T>A on the plus strand (A>T on the coding strand, the complement: HMGCL is on the minus strand). VCF-style: chr1-23820578-T-A. GRCh37 (hg19) VCF-style: chr1-24147068-T-A.
Other names: c.76A>T, p.Met26Leu (NM_001166059.2); short protein forms M26L.
Identifiers: ClinVar variation 1040599 (VCV001040599.8), dbSNP rs756958205, ClinGen allele CA339030546.
Genomic context (GRCh38, chr1:23,820,578, plus strand): 5'-TTTGTAGTCCATCTCGGGGACCAACTTCCACAATTTTCACCCGCTTTGGTAAAGTGCCCA[T>A]AGATGAGGTGCTGACCTTTGGTTTAAAAGAGGAAACAAAAAGTATGAGGAAGAGATTGCC-3'
Protein context (NP_000182.2, residues 16-36): ASLRAVSTSS[Met26Leu]GTLPKRVKIV

ClinVar aggregate classification (germline): Uncertain significance (1 of 4 stars; one submission).

Conditions:
Deficiency of hydroxymethylglutaryl-CoA lyase (HMGCLD). Also called: HMG-CoA LYASE DEFICIENCY; HMGCL DEFICIENCY; HYDROXYMETHYLGLUTARIC ACIDURIA; Defect in leucine metabolism; 3-hydroxy-3-methylglutaric aciduria. Identifiers: Orphanet 20, MedGen C1533587, MONDO:0009520, OMIM 246450.

gnomAD v4.1: 1 of 1,613,848 alleles (0.000062%); highest among the groups gnomAD compares: Non-Finnish European, 0.000085%; no homozygotes.

Submission:

Labcorp Genetics (formerly Invitae), Labcorp
Classification: Uncertain significance for Deficiency of hydroxymethylglutaryl-CoA lyase. Last evaluated: 2020-08-31. Review status: criteria provided, single submitter. Criteria: Invitae Variant Classification Sherloc (09022015). Collection method: clinical testing. Allele origin: germline.
Comment: In summary, the available evidence is currently insufficient to determine the role of this variant in disease. Therefore, it has been classified as a Variant of Uncertain Significance. Algorithms developed to predict the effect of missense changes on protein structure and function output the following: SIFT: "Tolerated"; PolyPhen-2: "Benign"; Align-GVGD: "Class C0". The leucine amino acid residue is found in multiple mammalian species, suggesting that this missense change does not adversely affect protein function. These predictions have not been confirmed by published functional studies and their clinical significance is uncertain. This variant has not been reported in the literature in individuals with HMGCL-related conditions. This variant is not present in population databases (ExAC no frequency). This sequence change replaces methionine with leucine at codon 26 of the HMGCL protein (p.Met26Leu). The methionine residue is weakly conserved and there is a small physicochemical difference between methionine and leucine.